The following is an entry in ClinVar:

ClinVar aggregate classification (germline): Uncertain significance (1 of 4 stars; one submission).

gnomAD v4.1: 28 of 152,230 alleles (0.018%); highest among the groups gnomAD compares: South Asian, 0.041%; no homozygotes.

Submission:

Greenwood Genetic Center Diagnostic Laboratories, Greenwood Genetic Center
Classification: Uncertain significance. Last evaluated: 2025-11-18. Review status: criteria provided, single submitter. Criteria: ACMG Guidelines, 2015. Collection method: clinical testing. Allele origin: germline. Affected: yes.
Comment: PM2

NM_001985.3(ETFB):c.376-1156G>A

Gene: ETFB (electron transfer flavoprotein subunit beta; minus strand). Cytogenetic location: 19q13.41.
Variant type: single nucleotide variant.
Coding change: c.376-1156G>A on transcript NM_001985.3 (MANE Select); 1156 bases into the intron before coding-DNA position 376, G replaced by A.
Molecular consequence: intron variant.
Genome position (GRCh38, 1-based): chr19:51,351,547, C>T on the plus strand (G>A on the coding strand, the complement: ETFB is on the minus strand). VCF-style: chr19-51351547-C-T. GRCh37 (hg19) VCF-style: chr19-51854801-C-T.
Other names: c.649-1156G>A (NM_001014763.1).
Identifiers: ClinVar variation 4845469 (VCV004845469.1).